The following is an entry in ClinVar:

NM_000038.6(APC):c.7081T>C (p.Ser2361Pro)

Gene: APC (APC regulator of Wnt signaling pathway; plus strand). Cytogenetic location: 5q22.2.
Variant type: single nucleotide variant.
Coding change: c.7081T>C on transcript NM_000038.6 (MANE Select); coding-DNA position 7081, T replaced by C.
Protein change: p.Ser2361Pro; replaces serine 2361 with proline.
Molecular consequence: missense variant. On other transcripts: non-coding transcript variant (2).
Genome position (GRCh38, 1-based): chr5:112,842,675, T>C. VCF-style: chr5-112842675-T-C. GRCh37 (hg19) VCF-style: chr5-112178372-T-C.
Other names: c.7135T>C, p.Ser2379Pro (NM_001354896.2, NM_001407447.1, NM_001407448.1 and 1 more transcripts); c.7111T>C, p.Ser2371Pro (NM_001354897.2); c.7006T>C, p.Ser2336Pro (NM_001354898.2); c.6997T>C, p.Ser2333Pro (NM_001354899.2); c.6958T>C, p.Ser2320Pro (NM_001354900.2); c.6904T>C, p.Ser2302Pro (NM_001354901.2, NM_001407453.1); c.6808T>C, p.Ser2270Pro (NM_001354902.2); c.6778T>C, p.Ser2260Pro (NM_001354903.2, NM_001407458.1, NM_001407459.1 and 1 more transcripts); and 11 more; short protein forms S2201P, S2389P, S2235P, S2270P, S2302P, S2336P, S2343P, S2351P.
Identifiers: ClinVar variation 2587029 (VCV002587029.2), dbSNP rs2149979626, ClinGen allele CA16036756.

ClinVar aggregate classification (germline): Uncertain significance (1 of 4 stars; one submission).

Conditions:
Hereditary cancer-predisposing syndrome. Also called: Hereditary neoplastic syndrome; Tumor predisposition; Hereditary Cancer Syndrome; Neoplastic Syndromes, Hereditary. Identifiers: Orphanet 140162, MedGen C0027672, MeSH D009386, MONDO:0015356.

Submission:

Ambry Genetics
Classification: Uncertain significance for Hereditary cancer-predisposing syndrome. Last evaluated: 2023-08-24. Review status: criteria provided, single submitter. Criteria: Ambry Variant Classification Scheme 2023. Collection method: clinical testing. Allele origin: germline.
Comment: The p.S2361P variant (also known as c.7081T>C), located in coding exon 15 of the APC gene, results from a T to C substitution at nucleotide position 7081. The serine at codon 2361 is replaced by proline, an amino acid with similar properties. This amino acid position is well conserved in available vertebrate species. In addition, in silico predictors for this gene do not accurately predict pathogenicity. Since supporting evidence is limited at this time, the clinical significance of this alteration remains unclear.